The following is an entry in ClinVar:

NM_022726.4(ELOVL4):c.863C>A (p.Ala288Glu)

Gene: ELOVL4 (ELOVL fatty acid elongase 4; minus strand). Cytogenetic location: 6q14.1.
Variant type: single nucleotide variant.
Coding change: c.863C>A on transcript NM_022726.4 (MANE Select); coding-DNA position 863, C replaced by A.
Protein change: p.Ala288Glu; replaces alanine 288 with glutamic acid.
Molecular consequence: missense variant.
Genome position (GRCh38, 1-based): chr6:79,916,690, G>T on the plus strand (C>A on the coding strand, the complement: ELOVL4 is on the minus strand). VCF-style: chr6-79916690-G-T. GRCh37 (hg19) VCF-style: chr6-80626407-G-T.
Other names: short protein forms A288E.
Identifiers: ClinVar variation 3088476 (VCV003088476.3), dbSNP rs761446261, ClinGen allele CA3901451.

ClinVar aggregate classification (germline): Uncertain significance. Review status: criteria provided, multiple submitters, no conflicts (2 of 4 stars). 2 submissions from 2 submitters: Uncertain significance (2). Last evaluated 2025-05-19.

Conditions:
Inborn genetic diseases. Identifiers: MedGen C0950123, MeSH D030342.

Allele frequency attached by ClinVar (database versions not stated): gnomAD exomes below 0.00001; TOPMed 0.00002; ExAC 0.00003.
gnomAD v4.1: 8 of 1,613,988 alleles (0.0005%); highest among the groups gnomAD compares: East Asian, 0.016%; no homozygotes.

Submissions (2):

Labcorp Genetics (formerly Invitae), Labcorp
Classification: Uncertain significance. Last evaluated: 2025-05-19. Review status: criteria provided, single submitter. Criteria: Invitae Variant Classification Sherloc (09022015). Collection method: clinical testing. Allele origin: germline.
Comment: This sequence change replaces alanine, which is neutral and non-polar, with glutamic acid, which is acidic and polar, at codon 288 of the ELOVL4 protein (p.Ala288Glu). This variant is present in population databases (rs761446261, gnomAD 0.05%). This variant has not been reported in the literature in individuals affected with ELOVL4-related conditions. ClinVar contains an entry for this variant (Variation ID: 3088476). An algorithm developed to predict the effect of missense changes on protein structure and function (PolyPhen-2) suggests that this variant is likely to be tolerated. In summary, the available evidence is currently insufficient to determine the role of this variant in disease. Therefore, it has been classified as a Variant of Uncertain Significance.

Ambry Genetics
Classification: Uncertain significance for Inborn genetic diseases. Last evaluated: 2023-12-15. Review status: criteria provided, single submitter. Criteria: Ambry Variant Classification Scheme 2023. Collection method: clinical testing. Allele origin: germline.